The following is an entry in ClinVar:

NM_000301.5(PLG):c.796C>G (p.Pro266Ala)

Gene: PLG (plasminogen; plus strand). Cytogenetic location: 6q26.
Variant type: single nucleotide variant.
Coding change: c.796C>G on transcript NM_000301.5 (MANE Select); coding-DNA position 796, C replaced by G.
Protein change: p.Pro266Ala; replaces proline 266 with alanine.
Molecular consequence: missense variant.
Genome position (GRCh38, 1-based): chr6:160,718,302, C>G. VCF-style: chr6-160718302-C-G. GRCh37 (hg19) VCF-style: chr6-161139334-C-G.
Other names: short protein forms P266A.
Identifiers: ClinVar variation 4696220 (VCV004696220.1).
Genomic context (GRCh38, chr6:160,718,302, plus strand): 5'-CTCCGTCTCAAAAAATATATATATTCATTGTAACTTATTTTGCCCATTCAAGCAACACCT[C>G]CACCATCTTCTGGTCCCACCTACCAGTGTCTGAAGGGAACAGGTGAAAACTATCGCGGGA-3'
Protein context (NP_000292.1, residues 256-276): LCDIPRCTTP[Pro266Ala]PSSGPTYQCL

ClinVar aggregate classification (germline): Uncertain significance (1 of 4 stars; one submission).

Submission:

Labcorp Genetics (formerly Invitae), Labcorp
Classification: Uncertain significance. Last evaluated: 2025-06-04. Review status: criteria provided, single submitter. Criteria: Invitae Variant Classification Sherloc (09022015). Collection method: clinical testing. Allele origin: germline.
Comment: This sequence change replaces proline, which is neutral and non-polar, with alanine, which is neutral and non-polar, at codon 266 of the PLG protein (p.Pro266Ala). This variant is not present in population databases (gnomAD no frequency). This variant has not been reported in the literature in individuals affected with PLG-related conditions. An algorithm developed to predict the effect of missense changes on protein structure and function (PolyPhen-2) suggests that this variant is likely to be tolerated. In summary, the available evidence is currently insufficient to determine the role of this variant in disease. Therefore, it has been classified as a Variant of Uncertain Significance.